The following is an entry in ClinVar:

ClinVar aggregate classification (germline): Uncertain significance (1 of 4 stars; one submission).

Submission:

GeneDx
Classification: Uncertain significance. Last evaluated: 2022-07-29. Review status: criteria provided, single submitter. Criteria: GeneDx Variant Classification Process June 2021. Collection method: clinical testing. Allele origin: germline. Affected: yes.
Comment: Not observed at significant frequency in large population cohorts (gnomAD); In silico analysis supports that this missense variant has a deleterious effect on protein structure/function; Has not been previously published as pathogenic or benign to our knowledge

NM_006908.5(RAC1):c.167G>T (p.Trp56Leu)

Gene: RAC1 (Rac family small GTPase 1; plus strand). Cytogenetic location: 7p22.1.
Variant type: single nucleotide variant.
Coding change: c.167G>T on transcript NM_006908.5 (MANE Select); coding-DNA position 167, G replaced by T.
Protein change: p.Trp56Leu; replaces tryptophan 56 with leucine.
Molecular consequence: missense variant.
Genome position (GRCh38, 1-based): chr7:6,391,983, G>T. VCF-style: chr7-6391983-G-T. GRCh37 (hg19) VCF-style: chr7-6431614-G-T.
Other names: c.167G>T, p.Trp56Leu (NM_018890.4); short protein forms W56L.
Identifiers: ClinVar variation 2413045 (VCV002413045.3), dbSNP rs2115201346, ClinGen allele CA366761068.